The following is an entry in ClinVar:

NM_006662.3(SRCAP):c.4178C>T (p.Ala1393Val)

Gene: SRCAP (Snf2 related CREBBP activator protein; plus strand). Cytogenetic location: 16p11.2.
Variant type: single nucleotide variant.
Coding change: c.4178C>T on transcript NM_006662.3 (MANE Select); coding-DNA position 4178, C replaced by T.
Protein change: p.Ala1393Val; replaces alanine 1393 with valine.
Molecular consequence: missense variant.
Genome position (GRCh38, 1-based): chr16:30,723,602, C>T. VCF-style: chr16-30723602-C-T. GRCh37 (hg19) VCF-style: chr16-30734923-C-T.
Other names: short protein forms A1393V.
Identifiers: ClinVar variation 4535217 (VCV004535217.6).

ClinVar aggregate classification (germline): Uncertain significance (1 of 4 stars; one submission).

Submission:

CeGaT Center for Human Genetics Tuebingen
Classification: Uncertain significance. Last evaluated: 2025-11-01. Review status: criteria provided, single submitter. Criteria: CeGaT Center For Human Genetics Tuebingen Variant Classification Criteria Version 2. Collection method: clinical testing. Allele origin: germline. Affected: yes. Observed: 1 variant allele.
Comment: SRCAP: PM2